The following is an entry in ClinVar:

ClinVar aggregate classification (germline): Uncertain significance (1 of 4 stars; one submission).

Conditions:
Progressive myoclonic epilepsy. Also called: Myoclonic Epilepsies, Progressive; Myoclonus epilepsy; Familial progressive myoclonic epilepsy; Progressive myoclonus epilepsy. Identifiers: Orphanet 308, Orphanet 98261, MedGen C0751778, MONDO:0020074.

gnomAD v4.1: 3 of 1,613,932 alleles (0.00019%); highest among the groups gnomAD compares: Non-Finnish European, 0.00025%; no homozygotes.

Submission:

Labcorp Genetics (formerly Invitae), Labcorp
Classification: Uncertain significance for Progressive myoclonic epilepsy. Last evaluated: 2022-02-03. Review status: criteria provided, single submitter. Criteria: Invitae Variant Classification Sherloc (09022015). Collection method: clinical testing. Allele origin: germline.
Comment: Algorithms developed to predict the effect of missense changes on protein structure and function (SIFT, PolyPhen-2, Align-GVGD) all suggest that this variant is likely to be tolerated. This variant is not present in population databases (gnomAD no frequency). This variant has not been reported in the literature in individuals affected with SCARB2-related conditions. ClinVar contains an entry for this variant (Variation ID: 1051101). This sequence change replaces glutamic acid, which is acidic and polar, with aspartic acid, which is acidic and polar, at codon 79 of the SCARB2 protein (p.Glu79Asp). In summary, the available evidence is currently insufficient to determine the role of this variant in disease. Therefore, it has been classified as a Variant of Uncertain Significance.

NM_005506.4(SCARB2):c.237G>C (p.Glu79Asp)

Gene: SCARB2 (scavenger receptor class B member 2; minus strand). Cytogenetic location: 4q21.1.
Variant type: single nucleotide variant.
Coding change: c.237G>C on transcript NM_005506.4 (MANE Select); coding-DNA position 237, G replaced by C.
Protein change: p.Glu79Asp; replaces glutamic acid 79 with aspartic acid.
Molecular consequence: missense variant.
Genome position (GRCh38, 1-based): chr4:76,195,745, C>G on the plus strand (G>C on the coding strand, the complement: SCARB2 is on the minus strand). VCF-style: chr4-76195745-C-G. GRCh37 (hg19) VCF-style: chr4-77116898-C-G.
Other names: c.237G>C, p.Glu79Asp (NM_001204255.2); short protein forms E79D.
Identifiers: ClinVar variation 1051101 (VCV001051101.7), dbSNP rs1348033527, ClinGen allele CA357327503.